The following is an entry in ClinVar:

ClinVar aggregate classification (germline): Uncertain significance (1 of 4 stars; one submission).

gnomAD v4.1: 5 of 1,610,322 alleles (0.00031%); highest among the groups gnomAD compares: Non-Finnish European, 0.00042%; no homozygotes.

Submission:

GeneDx
Classification: Uncertain significance. Last evaluated: 2026-03-27. Review status: criteria provided, single submitter. Criteria: GeneDx Variant Classification Process June 2021. Collection method: clinical testing. Allele origin: germline.
Comment: Not observed at significant frequency in large population cohorts (gnomAD); In silico analysis suggests this variant may impact gene splicing. In the absence of RNA/functional studies, the actual effect of this sequence change is unknown.; In silico analysis suggests that this missense variant does not alter protein structure/function; Has not been previously published as pathogenic or benign to our knowledge

NM_000899.5(KITLG):c.38A>T (p.Tyr13Phe)

Gene: KITLG (KIT ligand; minus strand). Cytogenetic location: 12q21.32.
Variant type: single nucleotide variant.
Coding change: c.38A>T on transcript NM_000899.5 (MANE Select); coding-DNA position 38, A replaced by T.
Protein change: p.Tyr13Phe; replaces tyrosine 13 with phenylalanine.
Molecular consequence: missense variant.
Genome position (GRCh38, 1-based): chr12:88,545,843, T>A on the plus strand (A>T on the coding strand, the complement: KITLG is on the minus strand). VCF-style: chr12-88545843-T-A. GRCh37 (hg19) VCF-style: chr12-88939620-T-A.
Other names: c.38A>T, p.Tyr13Phe (NM_003994.6); short protein forms Y13F.
Identifiers: ClinVar variation 5016968 (VCV005016968.1).